The following is an entry in ClinVar:

NM_182961.4(SYNE1):c.5222A>G (p.Gln1741Arg)

Gene: SYNE1 (spectrin repeat containing nuclear envelope protein 1; minus strand). Cytogenetic location: 6q25.2.
Variant type: single nucleotide variant.
Coding change: c.5222A>G on transcript NM_182961.4 (MANE Select); coding-DNA position 5222, A replaced by G.
Protein change: p.Gln1741Arg; replaces glutamine 1741 with arginine.
Molecular consequence: missense variant.
Genome position (GRCh38, 1-based): chr6:152,425,426, T>C on the plus strand (A>G on the coding strand, the complement: SYNE1 is on the minus strand). VCF-style: chr6-152425426-T-C. GRCh37 (hg19) VCF-style: chr6-152746561-T-C.
Other names: c.5243A>G, p.Gln1748Arg (NM_033071.5); short protein forms Q1741R, Q1748R.
Identifiers: ClinVar variation 3752860 (VCV003752860.2).
Genomic context (GRCh38, chr6:152,425,426, plus strand): 5'-TCTTTTAGAACCAACCTTTTGTTAATGATCTGTGGTAAATCTCTCCATCTCTCATCCAAC[T>C]GCTCCAAATGTAGTTTCATCATTTTCACATCATCTTTGGAGGCTACTGAGAACAATGATT-3'
Protein context (NP_892006.3, residues 1731-1751): DVKMMKLHLE[Gln1741Arg]LDERWRDLPQ

ClinVar aggregate classification (germline): Uncertain significance (1 of 4 stars; one submission).

Conditions:
Emery-Dreifuss muscular dystrophy 4, autosomal dominant (EDMD4). Also called: EMERY-DREIFUSS MUSCULAR DYSTROPHY 4 WITH VARIABLE FEATURES. Identifiers: Orphanet 261, MedGen C2751807, MONDO:0013071, OMIM 612998.
Autosomal recessive ataxia, Beauce type. Also called: Spinocerebellar ataxia, autosomal recessive 8; ATAXIA, RECESSIVE, OF BEAUCE; SYNE1-Related Autosomal Recessive Cerebellar Ataxia; SYNE1 Deficiency. Identifiers: Orphanet 88644, MedGen C1853116, MONDO:0012549, OMIM 610743.

Submission:

Labcorp Genetics (formerly Invitae), Labcorp
Classification: Uncertain significance for Emery-Dreifuss muscular dystrophy 4, autosomal dominant; Autosomal recessive ataxia, Beauce type. Last evaluated: 2024-12-12. Review status: criteria provided, single submitter. Criteria: Invitae Variant Classification Sherloc (09022015). Collection method: clinical testing. Allele origin: germline.
Comment: This sequence change replaces glutamine, which is neutral and polar, with arginine, which is basic and polar, at codon 1748 of the SYNE1 protein (p.Gln1748Arg). This variant is not present in population databases (gnomAD no frequency). This variant has not been reported in the literature in individuals affected with SYNE1-related conditions. An algorithm developed to predict the effect of missense changes on protein structure and function (PolyPhen-2) suggests that this variant is likely to be tolerated. In summary, the available evidence is currently insufficient to determine the role of this variant in disease. Therefore, it has been classified as a Variant of Uncertain Significance.